The following is an entry in ClinVar:

ClinVar aggregate classification (germline): Conflicting classifications of pathogenicity. Review status: criteria provided, conflicting classifications (1 of 4 stars). 6 submissions from 6 submitters: Uncertain significance (1); Benign (2); Likely benign (3). Last evaluated 2026-01-26.

Conditions:
Inborn genetic diseases. Identifiers: MedGen C0950123, MeSH D030342.
Chédiak-Higashi syndrome (CHS). Also called: Chediak-Higashi Syndrome. Identifiers: Orphanet 167, MedGen C0007965, MONDO:0008963, OMIM 214500.

Allele frequency attached by ClinVar (database versions not stated): ESP Exome Variant Server 0.00015; gnomAD exomes 0.00024 and 0.00055; gnomAD 0.00036 and 0.00038; TOPMed 0.00037; ExAC 0.00044.
gnomAD v4.1: 453 of 1,614,004 alleles (0.028%); highest among the groups gnomAD compares: Non-Finnish European, 0.0057%; 2 homozygotes.

Submissions (6):

Labcorp Genetics (formerly Invitae), Labcorp
Classification: Benign for Chédiak-Higashi syndrome. Last evaluated: 2026-01-26. Review status: criteria provided, single submitter. Criteria: Invitae Variant Classification Sherloc (09022015). Collection method: clinical testing. Allele origin: germline.

Mayo Clinic Laboratories, Mayo Clinic
Classification: Likely benign. Last evaluated: 2025-09-15. Review status: criteria provided, single submitter. Criteria: ACMG Guidelines, 2015. Collection method: clinical testing. Allele origin: germline. Observed: 3 variant alleles.
Comment: BS1, BP4_moderate

Blueprint Genetics
Classification: Benign. Last evaluated: 2024-11-22. Review status: criteria provided, single submitter. Criteria: ACMG Guidelines, 2015. Collection method: clinical testing. Allele origin: germline.

Ambry Genetics
Classification: Likely benign for Inborn genetic diseases. Last evaluated: 2022-03-10. Review status: criteria provided, single submitter. Criteria: Ambry Variant Classification Scheme 2023. Collection method: clinical testing. Allele origin: germline.

Department of Pathology and Laboratory Medicine, Sinai Health System
Classification: Uncertain significance for Chédiak-Higashi syndrome. Last evaluated: 2021-07-30. Review status: criteria provided, single submitter. Criteria: ACMG Guidelines, 2015. Collection method: research. Allele origin: germline.

CeGaT Center for Human Genetics Tuebingen
Classification: Likely benign. Last evaluated: 2019-03-01. Review status: criteria provided, single submitter. Criteria: CeGaT Center For Human Genetics Tuebingen Variant Classification Criteria Version 2. Collection method: clinical testing. Allele origin: germline. Affected: yes. Observed: 1 variant allele.

NM_000081.4(LYST):c.1655T>C (p.Val552Ala)

Gene: LYST (lysosomal trafficking regulator; minus strand). Cytogenetic location: 1q42.3.
Variant type: single nucleotide variant.
Coding change: c.1655T>C on transcript NM_000081.4 (MANE Select); coding-DNA position 1655, T replaced by C.
Protein change: p.Val552Ala; replaces valine 552 with alanine.
Molecular consequence: missense variant.
Genome position (GRCh38, 1-based): chr1:235,809,163, A>G on the plus strand (T>C on the coding strand, the complement: LYST is on the minus strand). VCF-style: chr1-235809163-A-G. GRCh37 (hg19) VCF-style: chr1-235972463-A-G.
Other names: p.Val552Ala; c.1655T>C, p.Val552Ala (NM_001301365.1); c.1655T>C (NM_000081.2); short protein forms V552A.
Identifiers: ClinVar variation 296429 (VCV000296429.60), dbSNP rs199617821, ClinGen allele CA1467432.